The following is an entry in ClinVar:

ClinVar aggregate classification (germline): Uncertain significance (1 of 4 stars; one submission).

Allele frequency attached by ClinVar (database versions not stated): ExAC 0.00003; gnomAD 0.00003; TOPMed 0.00003; gnomAD exomes 0.00006.
gnomAD v4.1: 90 of 1,613,280 alleles (0.0056%); highest among the groups gnomAD compares: Non-Finnish European, 0.007%; no homozygotes.

Submission:

Labcorp Genetics (formerly Invitae), Labcorp
Classification: Uncertain significance. Last evaluated: 2022-06-15. Review status: criteria provided, single submitter. Criteria: Invitae Variant Classification Sherloc (09022015). Collection method: clinical testing. Allele origin: germline.
Comment: This sequence change replaces arginine, which is basic and polar, with glutamine, which is neutral and polar, at codon 145 of the MFF protein (p.Arg145Gln). This variant is present in population databases (rs756803135, gnomAD 0.006%). In summary, the available evidence is currently insufficient to determine the role of this variant in disease. Therefore, it has been classified as a Variant of Uncertain Significance. Algorithms developed to predict the effect of missense changes on protein structure and function (SIFT, PolyPhen-2, Align-GVGD) all suggest that this variant is likely to be tolerated. This variant has not been reported in the literature in individuals affected with MFF-related conditions.

NM_001277062.2(MFF):c.356G>A (p.Arg119Gln)

Gene: MFF (mitochondrial fission factor; plus strand). Cytogenetic location: 2q36.3.
Variant type: single nucleotide variant.
Coding change: c.356G>A on transcript NM_001277062.2 (MANE Select); coding-DNA position 356, G replaced by A.
Protein change: p.Arg119Gln; replaces arginine 119 with glutamine.
Molecular consequence: missense variant. On other transcripts: non-coding transcript variant (1).
Genome position (GRCh38, 1-based): chr2:227,340,296, G>A. VCF-style: chr2-227340296-G-A. GRCh37 (hg19) VCF-style: chr2-228205012-G-A.
Other names: c.434G>A, p.Arg145Gln (NM_001277061.2, NM_020194.5); c.356G>A, p.Arg119Gln (NM_001277063.2, NM_001277064.2, NM_001277065.2 and 2 more transcripts); c.206G>A, p.Arg69Gln (NM_001277067.1); short protein forms R119Q, R145Q, R69Q.
Identifiers: ClinVar variation 1991225 (VCV001991225.2), dbSNP rs756803135, ClinGen allele CA2147882.